The following is an entry in ClinVar:

ClinVar aggregate classification (germline): Uncertain significance (1 of 4 stars; one submission).

Submission:

Women's Health and Genetics/Laboratory Corporation of America, LabCorp
Classification: Uncertain significance. Last evaluated: 2026-06-26. Review status: criteria provided, single submitter. Criteria: LabCorp Variant Classification Summary - May 2015. Collection method: clinical testing. Allele origin: germline.
Comment: Variant summary: FGD1 c.2251C>T (p.His751Tyr) results in a conservative amino acid change in the encoded protein sequence. Algorithms developed to predict the effect of missense changes on protein structure and function are either unavailable or do not agree on the potential impact of this missense change. The variant was absent in 183185 control chromosomes. The available data on variant occurrences in the general population are insufficient to allow any conclusion about variant significance. To our knowledge, no occurrence of c.2251C>T in individuals affected with FGD1-related conditions and no experimental evidence demonstrating its impact on protein function have been reported. No submitters have cited clinical-significance assessments for this variant to ClinVar. Based on the evidence outlined above, the variant was classified as uncertain significance.

NM_004463.3(FGD1):c.2251C>T (p.His751Tyr)

Gene: FGD1 (FYVE, RhoGEF and PH domain containing 1; minus strand). Cytogenetic location: Xp11.22.
Variant type: single nucleotide variant.
Coding change: c.2251C>T on transcript NM_004463.3 (MANE Select); coding-DNA position 2251, C replaced by T.
Protein change: p.His751Tyr; replaces histidine 751 with tyrosine.
Molecular consequence: missense variant.
Genome position (GRCh38, 1-based): chrX:54,449,166, G>A on the plus strand (C>T on the coding strand, the complement: FGD1 is on the minus strand). VCF-style: chrX-54449166-G-A. GRCh37 (hg19) VCF-style: chrX-54475599-G-A.
Other names: short protein forms H751Y.
Identifiers: ClinVar variation 4887657 (VCV004887657.1).